The following is an entry in ClinVar:

ClinVar aggregate classification (germline): Likely benign. Review status: criteria provided, multiple submitters, no conflicts (2 of 4 stars). 3 submissions from 3 submitters: Likely benign (2). 1 of the submissions does not count toward it. Last evaluated 2022-08-02.

Conditions:
IL2RB-related disorder. Also called: IL2RB-related condition.

Submissions (3):

Blueprint Genetics
Classification: Likely benign. Last evaluated: 2022-08-02. Review status: criteria provided, single submitter. Criteria: ACMG Guidelines, 2015. Collection method: clinical testing. Allele origin: germline.

Labcorp Genetics (formerly Invitae), Labcorp
Classification: Likely benign. Last evaluated: 2019-12-31. Review status: criteria provided, single submitter. Criteria: Invitae Variant Classification Sherloc (09022015). Collection method: clinical testing. Allele origin: germline.

PreventionGenetics, part of Exact Sciences
Classification: Likely benign for IL2RB-related condition. Last evaluated: 2019-11-18. Review status: no assertion criteria provided. Collection method: clinical testing. Allele origin: germline. Not counted in ClinVar's aggregate classification.
Comment: This variant is classified as likely benign based on ACMG/AMP sequence variant interpretation guidelines (Richards et al. 2015 PMID: 25741868, with internal and published modifications).

NM_000878.5(IL2RB):c.960T>G (p.Pro320=)

Gene: IL2RB (interleukin 2 receptor subunit beta; minus strand). Cytogenetic location: 22q12.3.
Variant type: single nucleotide variant.
Coding change: c.960T>G on transcript NM_000878.5 (MANE Select); coding-DNA position 960, T replaced by G.
Protein change: p.Pro320=; no amino-acid change (proline 320 retained).
Molecular consequence: synonymous variant.
Genome position (GRCh38, 1-based): chr22:37,128,792, A>C on the plus strand (T>G on the coding strand, the complement: IL2RB is on the minus strand). VCF-style: chr22-37128792-A-C. GRCh37 (hg19) VCF-style: chr22-37524832-A-C.
Other names: c.960T>G (NM_000878.4); c.960T>G, p.Pro320= (NM_001346222.1, NM_001346223.2).
Identifiers: ClinVar variation 727903 (VCV000727903.7), dbSNP rs1601593824, ClinGen allele CA514484896.